The following is an entry in ClinVar:

NM_001184880.2(PCDH19):c.1430C>A (p.Ala477Asp)

Gene: PCDH19 (protocadherin 19; minus strand). Cytogenetic location: Xq22.1.
Variant type: single nucleotide variant.
Coding change: c.1430C>A on transcript NM_001184880.2 (MANE Select); coding-DNA position 1430, C replaced by A.
Protein change: p.Ala477Asp; replaces alanine 477 with aspartic acid.
Molecular consequence: missense variant.
Genome position (GRCh38, 1-based): chrX:100,407,168, G>T on the plus strand (C>A on the coding strand, the complement: PCDH19 is on the minus strand). VCF-style: chrX-100407168-G-T. GRCh37 (hg19) VCF-style: chrX-99662166-G-T.
Other names: c.1430C>A, p.Ala477Asp (NM_001105243.2, NM_020766.3); short protein forms A477D.
Identifiers: ClinVar variation 1721929 (VCV001721929.6), dbSNP rs2520982391, ClinGen allele CA414002742.
Genomic context (GRCh38, chrX:100,407,168, plus strand): 5'-ACCTGCGACGGCACGATCTGGTAGGAGACACTGCCGTTGAGACCCAGGTCGGGGTCGCGA[G>T]CAGACACAGAGAGCAGATAGGCGCCAGGCGTGTTGTTCTCCTGCACAATGACCTGGTAGT-3'
Protein context (NP_001171809.1, residues 467-487): TPGAYLLSVS[Ala477Asp]RDPDLGLNGS

ClinVar aggregate classification (germline): Uncertain significance (1 of 4 stars; one submission).

Conditions:
Developmental and epileptic encephalopathy, 9 (DEE9). Also called: EPILEPSY, FEMALE-RESTRICTED, WITH MENTAL RETARDATION; Early infantile epileptic encephalopathy 9; JUBERG-HELLMAN SYNDROME; PCDH19-Related X-Linked Female-Limited Epilepsy with Mental Retardation. Identifiers: Orphanet 101039, Orphanet 2076, MedGen C1848137, MONDO:0010246, OMIM 300088. Disease mechanism: loss of function.

Submission:

Labcorp Genetics (formerly Invitae), Labcorp
Classification: Uncertain significance for Developmental and epileptic encephalopathy, 9. Last evaluated: 2022-10-20. Review status: criteria provided, single submitter. Criteria: Invitae Variant Classification Sherloc (09022015). Collection method: clinical testing. Allele origin: germline.
Comment: This sequence change replaces alanine, which is neutral and non-polar, with aspartic acid, which is acidic and polar, at codon 477 of the PCDH19 protein (p.Ala477Asp). This variant is not present in population databases (gnomAD no frequency). This variant has not been reported in the literature in individuals affected with PCDH19-related conditions. Advanced modeling of protein sequence and biophysical properties (such as structural, functional, and spatial information, amino acid conservation, physicochemical variation, residue mobility, and thermodynamic stability) performed at Invitae indicates that this missense variant is expected to disrupt PCDH19 protein function. In summary, the available evidence is currently insufficient to determine the role of this variant in disease. Therefore, it has been classified as a Variant of Uncertain Significance.